The following is an entry in ClinVar:

NM_177438.3(DICER1):c.2858A>G (p.Asp953Gly)

Gene: DICER1 (dicer 1, ribonuclease III; minus strand). Cytogenetic location: 14q32.13.
Variant type: single nucleotide variant.
Coding change: c.2858A>G on transcript NM_177438.3 (MANE Select); coding-DNA position 2858, A replaced by G.
Protein change: p.Asp953Gly; replaces aspartic acid 953 with glycine.
Molecular consequence: missense variant. On other transcripts: non-coding transcript variant (6).
Genome position (GRCh38, 1-based): chr14:95,106,170, T>C on the plus strand (A>G on the coding strand, the complement: DICER1 is on the minus strand). VCF-style: chr14-95106170-T-C. GRCh37 (hg19) VCF-style: chr14-95572507-T-C.
Other names: c.2858A>G, p.Asp953Gly (NM_001195573.1, NM_001271282.3, NM_001291628.2 and 13 more transcripts); c.2576A>G, p.Asp859Gly (NM_001395686.1); c.2453A>G, p.Asp818Gly (NM_001395687.1, NM_001395688.1, NM_001395689.1 and 2 more transcripts); c.2291A>G, p.Asp764Gly (NM_001395691.1); c.1175A>G, p.Asp392Gly (NM_001395697.1); short protein forms D392G, D764G, D818G, D859G, D953G.
Identifiers: ClinVar variation 3229347 (VCV003229347.1), dbSNP rs2542789845, ClinGen allele CA390879128.

ClinVar aggregate classification (germline): Uncertain significance (1 of 4 stars; one submission).

Conditions:
Hereditary cancer-predisposing syndrome. Also called: Neoplastic Syndromes, Hereditary; Tumor predisposition; Hereditary neoplastic syndrome; Hereditary Cancer Syndrome. Identifiers: Orphanet 140162, MedGen C0027672, MeSH D009386, MONDO:0015356.

Submission:

Ambry Genetics
Classification: Uncertain significance for Hereditary cancer-predisposing syndrome. Last evaluated: 2024-03-03. Review status: criteria provided, single submitter. Criteria: Ambry Variant Classification Scheme 2023. Collection method: clinical testing. Allele origin: germline.
Comment: The p.D953G variant (also known as c.2858A>G), located in coding exon 17 of the DICER1 gene, results from an A to G substitution at nucleotide position 2858. The aspartic acid at codon 953 is replaced by glycine, an amino acid with similar properties. This amino acid position is conserved. In addition, the in silico prediction for this alteration is inconclusive. Based on the available evidence, the clinical significance of this alteration remains unclear.